The following is an entry in ClinVar:

NM_007078.3(LDB3):c.650G>A (p.Ser217Asn)

Gene: LDB3 (LIM domain binding 3; plus strand). Cytogenetic location: 10q23.2.
Variant type: single nucleotide variant.
Coding change: c.650G>A on transcript NM_007078.3 (MANE Select); coding-DNA position 650, G replaced by A.
Protein change: p.Ser217Asn; replaces serine 217 with asparagine.
Molecular consequence: missense variant. On other transcripts: intron variant (5).
Genome position (GRCh38, 1-based): chr10:86,681,764, G>A. VCF-style: chr10-86681764-G-A. GRCh37 (hg19) VCF-style: chr10-88441521-G-A.
Other names: c.650G>A, p.Ser217Asn (NM_001080115.2, NM_001171610.2, NM_001171611.2 and 3 more transcripts); c.321+1607G>A (NM_001368068.1, NM_001368066.1, NM_001080114.2 and 2 more transcripts); short protein forms S217N.
Identifiers: ClinVar variation 1664013 (VCV001664013.8), dbSNP rs1246502816, ClinGen allele CA377455473.
Genomic context (GRCh38, chr10:86,681,764, plus strand): 5'-ACCCCATTGGCCTGTACTCGGCAGAGACCCTGAGGGAGATGGCTCAGATGTACCAGATGA[G>A]CCTCCGAGGGAAGGCCTCGGGTGTCGGACTCCCAGGAGGGTAGGTAACGGACATACAGCT-3'
Protein context (NP_009009.1, residues 207-227): LREMAQMYQM[Ser217Asn]LRGKASGVGL

ClinVar aggregate classification (germline): Uncertain significance (1 of 4 stars; one submission).

Conditions:
Myofibrillar myopathy 4. Also called: Zaspopathy (type). Identifiers: Orphanet 98912, MedGen C4721886, MONDO:0012277, OMIM 609452.

Allele frequency attached by ClinVar (database versions not stated): gnomAD exomes below 0.00001 and 0.00001; TOPMed 0.00002.
gnomAD v4.1: 2 of 1,601,442 alleles (0.00012%); highest among the groups gnomAD compares: Admixed American, 0.0034%; no homozygotes.

Submission:

Labcorp Genetics (formerly Invitae), Labcorp
Classification: Uncertain significance for Myofibrillar myopathy 4. Last evaluated: 2025-01-27. Review status: criteria provided, single submitter. Criteria: Invitae Variant Classification Sherloc (09022015). Collection method: clinical testing. Allele origin: germline.
Comment: The LDB3 gene has multiple clinically relevant transcripts. This variant occurs in alternate transcript NM_007078.3, and corresponds to NM_001080116.1:c.321+1607G>A in the primary transcript. This sequence change replaces serine, which is neutral and polar, with asparagine, which is neutral and polar, at codon 217 of the LDB3 protein (p.Ser217Asn). This variant is present in population databases (no rsID available, gnomAD 0.006%). This variant has not been reported in the literature in individuals affected with LDB3-related conditions. ClinVar contains an entry for this variant (Variation ID: 1664013). Experimental studies and prediction algorithms are not available or were not evaluated, and the functional significance of this variant is currently unknown. Algorithms developed to predict the effect of sequence changes on RNA splicing suggest that this variant is not likely to affect RNA splicing. In summary, the available evidence is currently insufficient to determine the role of this variant in disease. Therefore, it has been classified as a Variant of Uncertain Significance.